The following is an entry in ClinVar:

NM_005612.5(REST):c.1943C>T (p.Pro648Leu)

Gene: REST (RE1 silencing transcription factor; plus strand). Cytogenetic location: 4q12.
Variant type: single nucleotide variant.
Coding change: c.1943C>T on transcript NM_005612.5 (MANE Select); coding-DNA position 1943, C replaced by T.
Protein change: p.Pro648Leu; replaces proline 648 with leucine.
Molecular consequence: missense variant.
Genome position (GRCh38, 1-based): chr4:56,930,801, C>T. VCF-style: chr4-56930801-C-T. GRCh37 (hg19) VCF-style: chr4-57796967-C-T.
Other names: c.1943C>T, p.Pro648Leu (NM_001193508.2, NM_001363453.3); short protein forms P648L.
Identifiers: ClinVar variation 1394104 (VCV001394104.9), dbSNP rs1560452115, ClinGen allele CA357007749.

ClinVar aggregate classification (germline): Uncertain significance. Review status: criteria provided, multiple submitters, no conflicts (2 of 4 stars). 2 submissions from 2 submitters: Uncertain significance (2). Last evaluated 2024-03-13.

Allele frequency attached by ClinVar (database versions not stated): gnomAD exomes 0.00001; TOPMed 0.00001.
gnomAD v4.1: 4 of 1,606,934 alleles (0.00025%); highest among the groups gnomAD compares: Non-Finnish European, 0.00034%; no homozygotes.

Submissions (2):

Labcorp Genetics (formerly Invitae), Labcorp
Classification: Uncertain significance. Last evaluated: 2024-03-13. Review status: criteria provided, single submitter. Criteria: Invitae Variant Classification Sherloc (09022015). Collection method: clinical testing. Allele origin: germline.
Comment: This sequence change replaces proline, which is neutral and non-polar, with leucine, which is neutral and non-polar, at codon 648 of the REST protein (p.Pro648Leu). This variant is present in population databases (no rsID available, gnomAD 0.002%). This variant has not been reported in the literature in individuals affected with REST-related conditions. ClinVar contains an entry for this variant (Variation ID: 1394104). Algorithms developed to predict the effect of missense changes on protein structure and function output the following: SIFT: "Not Available"; PolyPhen-2: "Benign"; Align-GVGD: "Not Available". The leucine amino acid residue is found in multiple mammalian species, which suggests that this missense change does not adversely affect protein function. In summary, the available evidence is currently insufficient to determine the role of this variant in disease. Therefore, it has been classified as a Variant of Uncertain Significance.

GeneDx
Classification: Uncertain significance. Last evaluated: 2022-06-30. Review status: criteria provided, single submitter. Criteria: GeneDx Variant Classification Process June 2021. Collection method: clinical testing. Allele origin: germline. Affected: yes.
Comment: Not observed at significant frequency in large population cohorts (gnomAD); In silico analysis supports that this missense variant does not alter protein structure/function; Has not been previously published as pathogenic or benign to our knowledge